The following is an entry in ClinVar:

NM_000536.4(RAG2):c.541T>C (p.Cys181Arg)

Gene: RAG2 (recombination activating 2; minus strand). Cytogenetic location: 11p12.
Variant type: single nucleotide variant.
Coding change: c.541T>C on transcript NM_000536.4 (MANE Select); coding-DNA position 541, T replaced by C.
Protein change: p.Cys181Arg; replaces cysteine 181 with arginine.
Molecular consequence: missense variant.
Genome position (GRCh38, 1-based): chr11:36,593,628, A>G on the plus strand (T>C on the coding strand, the complement: RAG2 is on the minus strand). VCF-style: chr11-36593628-A-G. GRCh37 (hg19) VCF-style: chr11-36615178-A-G.
Other names: c.541T>C, p.Cys181Arg (NM_001243785.2, NM_001243786.2); short protein forms C181R.
Identifiers: ClinVar variation 581504 (VCV000581504.6), dbSNP rs1564996998, ClinGen allele CA380142641.
Genomic context (GRCh38, chr11:36,593,628, plus strand): 5'-GAAGTTCTGGAAGAATGTATGATGTAGCACACCCAAATTCAAAATCCACCAGGAAAACAC[A>G]GGGCAGGCAGTCAGCTACACTATTCCATTTTTCTGTGGTTCTGTGGGTAGAAGGCATGTA-3'
Protein context (NP_000527.2, residues 171-191): KWNSVADCLP[Cys181Arg]VFLVDFEFGC

ClinVar aggregate classification (germline): Uncertain significance. Review status: criteria provided, multiple submitters, no conflicts (2 of 4 stars). 4 submissions from 4 submitters: Uncertain significance (3). 1 of the submissions does not count toward it. Last evaluated 2025-07-16.

Conditions:
Combined immunodeficiency with skin granulomas. Identifiers: Orphanet 157949, MedGen C2673536, MONDO:0009306, OMIM 233650.
Severe combined immunodeficiency, autosomal recessive, T cell-negative, B cell-negative, NK cell-positive. Also called: SCID, T CELL-NEGATIVE, B CELL-NEGATIVE, NK CELL-POSITIVE; SCID, AR, T-cell negative, B-cell negative, NK cell-positive; Severe combined immunodeficiency due to complete RAG1/2 deficiency. Identifiers: Orphanet 331206, MedGen C1832322, MONDO:0011086, OMIM 601457.
Histiocytic medullary reticulosis. Also called: Omenn syndrome; SEVERE COMBINED IMMUNODEFICIENCY WITH HYPEREOSINOPHILIA. Identifiers: Orphanet 39041, MedGen C2700553, MONDO:0011338, OMIM 603554.
Inborn genetic diseases. Identifiers: MedGen C0950123, MeSH D030342.

Allele frequency attached by ClinVar (database versions not stated): gnomAD 0.00001; gnomAD exomes 0.00002.
gnomAD v4.1: 24 of 1,614,204 alleles (0.0015%); highest among the groups gnomAD compares: Middle Eastern, 0.016%; no homozygotes.

Submissions (4):

GeneDx
Classification: Uncertain significance. Last evaluated: 2025-07-16. Review status: criteria provided, single submitter. Criteria: GeneDx Variant Classification Process June 2021. Collection method: clinical testing. Allele origin: germline. Affected: yes.
Comment: Not observed at significant frequency in large population cohorts (gnomAD); In silico analysis suggests that this missense variant does not alter protein structure/function; Has not been previously published as pathogenic or benign to our knowledge; This variant is associated with the following publications: (PMID: 26996199, 27825771)

Ambry Genetics
Classification: Uncertain significance for Inborn genetic diseases. Last evaluated: 2024-08-26. Review status: criteria provided, single submitter. Criteria: Ambry Variant Classification Scheme 2023. Collection method: clinical testing. Allele origin: germline.

Labcorp Genetics (formerly Invitae), Labcorp
Classification: Uncertain significance for Combined immunodeficiency with skin granulomas; Severe combined immunodeficiency, autosomal recessive, T cell-negative, B cell-negative, NK cell-positive. Last evaluated: 2022-02-22. Review status: criteria provided, single submitter. Criteria: Invitae Variant Classification Sherloc (09022015). Collection method: clinical testing. Allele origin: germline.
Comment: This sequence change replaces cysteine, which is neutral and slightly polar, with arginine, which is basic and polar, at codon 181 of the RAG2 protein (p.Cys181Arg). This variant is not present in population databases (gnomAD no frequency). This variant has not been reported in the literature in individuals affected with RAG2-related conditions. ClinVar contains an entry for this variant (Variation ID: 581504). Advanced modeling of protein sequence and biophysical properties (such as structural, functional, and spatial information, amino acid conservation, physicochemical variation, residue mobility, and thermodynamic stability) performed at Invitae indicates that this missense variant is not expected to disrupt RAG2 protein function. In summary, the available evidence is currently insufficient to determine the role of this variant in disease. Therefore, it has been classified as a Variant of Uncertain Significance.

Natera, Inc.
Classification: Uncertain significance for Omenn syndrome. Last evaluated: 2020-03-13. Review status: no assertion criteria provided. Collection method: clinical testing. Allele origin: germline. Not counted in ClinVar's aggregate classification.